The following is an entry in ClinVar:

ClinVar aggregate classification (germline): Benign. Review status: criteria provided, multiple submitters, no conflicts (2 of 4 stars). 2 submissions from 2 submitters: Benign (2). Last evaluated 2018-06-19.

Allele frequency attached by ClinVar (database versions not stated): 1000 Genomes Project 0.94089; 1000 Genomes Project 30x 0.94097; TOPMed 0.95047; gnomAD 0.95460 and 0.95685; gnomAD exomes 0.99264.
gnomAD v4.1: 922,552 of 935,098 alleles (99%); highest among the groups gnomAD compares: Non-Finnish European, 100%; 455,706 homozygotes.

Submissions (2):

GeneDx
Classification: Benign. Last evaluated: 2018-06-19. Review status: criteria provided, single submitter. Criteria: GeneDx Variant Classification (06012015). Collection method: clinical testing. Allele origin: germline. Affected: yes.
Comment: This variant is considered likely benign or benign based on one or more of the following criteria: it is a conservative change, it occurs at a poorly conserved position in the protein, it is predicted to be benign by multiple in silico algorithms, and/or has population frequency not consistent with disease.

Breakthrough Genomics
Classification: Benign. Review status: criteria provided, single submitter. Criteria: ACMG Guidelines, 2015. Collection method: not provided. Allele origin: germline. Inheritance: Autosomal recessive inheritance. Affected: yes.

NM_000153.4(GALC):c.1670+94A>G

Gene: GALC (galactosylceramidase; minus strand). Cytogenetic location: 14q31.3.
Variant type: single nucleotide variant.
Coding change: c.1670+94A>G on transcript NM_000153.4 (MANE Select); 94 bases into the intron after coding-DNA position 1670, A replaced by G.
Molecular consequence: intron variant.
Genome position (GRCh38, 1-based): chr14:87,945,459, T>C on the plus strand (A>G on the coding strand, the complement: GALC is on the minus strand). VCF-style: chr14-87945459-T-C. GRCh37 (hg19) VCF-style: chr14-88411803-T-C.
Other names: c.1592+94A>G (NM_001201402.2); c.1601+94A>G (NM_001201401.2).
Identifiers: ClinVar variation 680303 (VCV000680303.2), dbSNP rs444902, ClinGen allele CA264683525.